The following is an entry in ClinVar:

NM_000136.3(FANCC):c.494A>T (p.His165Leu)

Gene: FANCC (FA complementation group C; minus strand). Cytogenetic location: 9q22.32.
Variant type: single nucleotide variant.
Coding change: c.494A>T on transcript NM_000136.3 (MANE Select); coding-DNA position 494, A replaced by T.
Protein change: p.His165Leu; replaces histidine 165 with leucine.
Molecular consequence: missense variant.
Genome position (GRCh38, 1-based): chr9:95,171,106, T>A on the plus strand (A>T on the coding strand, the complement: FANCC is on the minus strand). VCF-style: chr9-95171106-T-A. GRCh37 (hg19) VCF-style: chr9-97933388-T-A.
Other names: c.494A>T, p.His165Leu (NM_001243743.2, NM_001243744.2); short protein forms H165L.
Identifiers: ClinVar variation 4870954 (VCV004870954.1).
Genomic context (GRCh38, chr9:95,171,106, plus strand): 5'-CCTGAGAAGAAGGATGTTTAGTTTAACACCTACCGCCTTTGAGTGTTAAATCCATTAAGA[T>A]GATTCTCTCTGAGTTCAGACGCTAATGATAAAACCATCTGTAAAACAAAATCAGTTGCAG-3'
Protein context (NP_000127.2, residues 155-175): LSLASELREN[His165Leu]LNGFNTQRRM

ClinVar aggregate classification (germline): Uncertain significance (1 of 4 stars; one submission).

Conditions:
Hereditary cancer-predisposing syndrome. Also called: Neoplastic Syndromes, Hereditary; Hereditary Cancer Syndrome; Hereditary neoplastic syndrome; Tumor predisposition. Identifiers: Orphanet 140162, MedGen C0027672, MeSH D009386, MONDO:0015356.

Submission:

Ambry Genetics
Classification: Uncertain significance for Hereditary cancer-predisposing syndrome. Last evaluated: 2026-04-28. Review status: criteria provided, single submitter. Criteria: Ambry Variant Classification Scheme 2023. Collection method: clinical testing. Allele origin: germline.
Comment: The p.H165L variant (also known as c.494A>T), located in coding exon 5 of the FANCC gene, results from an A to T substitution at nucleotide position 494. The histidine at codon 165 is replaced by leucine, an amino acid with similar properties. This amino acid position is conserved. In addition, the in silico prediction for this alteration is inconclusive. Based on the available evidence, the clinical significance of this variant remains unclear.